The following is an entry in ClinVar:

ClinVar aggregate classification (germline): Benign/Likely benign. Review status: criteria provided, multiple submitters, no conflicts (2 of 4 stars). 4 submissions from 4 submitters: Benign (2); Likely benign (2). Last evaluated 2026-01-26.

Conditions:
MHC class II deficiency. Also called: Bare lymphocyte syndrome 2; BLS, TYPE II. Identifiers: Orphanet 572, MedGen C5447452, MONDO:0008855.

Allele frequency attached by ClinVar (database versions not stated): gnomAD exomes 0.00120; ExAC 0.00151; ESP Exome Variant Server 0.00431; gnomAD 0.00454 and 0.00483; TOPMed 0.00501; 1000 Genomes Project 30x 0.00515; 1000 Genomes Project 0.00579.
gnomAD v4.1: 1,413 of 1,613,454 alleles (0.088%); highest among the groups gnomAD compares: African/African-American, 1.6%; 15 homozygotes.

Submissions (4):

Labcorp Genetics (formerly Invitae), Labcorp
Classification: Benign for MHC class II deficiency. Last evaluated: 2026-01-26. Review status: criteria provided, single submitter. Criteria: Invitae Variant Classification Sherloc (09022015). Collection method: clinical testing. Allele origin: germline.

Women's Health and Genetics/Laboratory Corporation of America, LabCorp
Classification: Likely benign. Last evaluated: 2026-01-22. Review status: criteria provided, single submitter. Criteria: LabCorp Variant Classification Summary - May 2015. Collection method: clinical testing. Allele origin: germline.

Blueprint Genetics
Classification: Likely benign. Last evaluated: 2024-11-25. Review status: criteria provided, single submitter. Criteria: ACMG Guidelines, 2015. Collection method: clinical testing. Allele origin: germline.

Illumina Laboratory Services, Illumina
Classification: Benign for MHC class II deficiency 1. Last evaluated: 2018-01-12. Review status: criteria provided, single submitter. Criteria: ICSL Variant Classification Criteria 13 December 2019. Collection method: clinical testing. Allele origin: germline.
Comment: This variant was observed in the ICSL laboratory as part of a predisposition screen in an ostensibly healthy population. It had not been previously curated by ICSL or reported in the Human Gene Mutation Database (HGMD: prior to June 1st, 2018), and was therefore a candidate for classification through an automated scoring system. Utilizing variant allele frequency, disease prevalence and penetrance estimates, and inheritance mode, an automated score was calculated to assess if this variant is too frequent to cause the disease. Based on the score and internal cut-off values, a variant classified as benign is not then subjected to further curation. The score for this variant resulted in a classification of benign for this disease.

NM_000246.4(CIITA):c.1429C>A (p.Leu477Ile)

Gene: CIITA (class II major histocompatibility complex transactivator; plus strand). Cytogenetic location: 16p13.13.
Variant type: single nucleotide variant.
Coding change: c.1429C>A on transcript NM_000246.4 (MANE Select); coding-DNA position 1429, C replaced by A.
Protein change: p.Leu477Ile; replaces leucine 477 with isoleucine.
Molecular consequence: missense variant. On other transcripts: intron variant (1).
Genome position (GRCh38, 1-based): chr16:10,906,921, C>A. VCF-style: chr16-10906921-C-A. GRCh37 (hg19) VCF-style: chr16-11000778-C-A.
Other names: c.1432C>A, p.Leu478Ile (NM_001286402.1, NM_001379332.1); c.1285C>A, p.Leu429Ile (NM_001379330.1); c.1282C>A, p.Leu428Ile (NM_001379331.1); c.1429C>A, p.Leu477Ile (NM_001379333.1); c.1360C>A, p.Leu454Ile (NM_001379334.1); c.860-2062C>A (NM_001286403.2); short protein forms L477I, L478I, L428I, L429I, L454I.
Identifiers: ClinVar variation 459192 (VCV000459192.17), dbSNP rs150205851, ClinGen allele CA7900125.